The following is an entry in ClinVar:

ClinVar aggregate classification (germline): Uncertain significance (1 of 4 stars; one submission).

Conditions:
Cardiomyopathy (CMYO). Also called: Cardiomyopathies. Identifiers: Orphanet 167848, MedGen C0878544, MONDO:0004994, HP:0001638. Inheritance: Various modes of inheritance.

Submission:

Color Diagnostics, LLC DBA Color Health
Classification: Uncertain significance for Cardiomyopathy. Last evaluated: 2024-11-25. Review status: criteria provided, single submitter. Criteria: ACMG Guidelines, 2015. Collection method: clinical testing. Allele origin: germline.
Comment: This missense variant replaces glutamic acid with lysine at codon 913 of the DSP protein. Computational prediction suggests that this variant may not impact protein structure and function. To our knowledge, functional studies have not been reported for this variant. This variant has not been reported in individuals affected with DSP-related disorders in the literature. This variant has not been identified in the general population by the Genome Aggregation Database (gnomAD). The available evidence is insufficient to determine the role of this variant in disease conclusively. Therefore, this variant is classified as a Variant of Uncertain Significance.

NM_004415.4(DSP):c.2737G>A (p.Glu913Lys)

Gene: DSP (desmoplakin; plus strand). Cytogenetic location: 6p24.3.
Variant type: single nucleotide variant.
Coding change: c.2737G>A on transcript NM_004415.4 (MANE Select); coding-DNA position 2737, G replaced by A.
Protein change: p.Glu913Lys; replaces glutamic acid 913 with lysine.
Molecular consequence: missense variant.
Genome position (GRCh38, 1-based): chr6:7,576,400, G>A. VCF-style: chr6-7576400-G-A. GRCh37 (hg19) VCF-style: chr6-7576633-G-A.
Other names: c.2737G>A, p.Glu913Lys (NM_001008844.3, NM_001319034.2); short protein forms E913K.
Identifiers: ClinVar variation 3893851 (VCV003893851.1).